The following is an entry in ClinVar:

NM_001001563.5(TIMM50):c.40G>A (p.Gly14Arg)

Gene: TIMM50 (translocase of inner mitochondrial membrane 50; plus strand). Cytogenetic location: 19q13.2.
Variant type: single nucleotide variant.
Coding change: c.40G>A on transcript NM_001001563.5 (MANE Select); coding-DNA position 40, G replaced by A.
Protein change: p.Gly14Arg; replaces glycine 14 with arginine.
Molecular consequence: missense variant. On other transcripts: 5 prime UTR variant (1).
Genome position (GRCh38, 1-based): chr19:39,480,893, G>A. VCF-style: chr19-39480893-G-A. GRCh37 (hg19) VCF-style: chr19-39971533-G-A.
Other names: c.-241G>A (NM_001329559.2); c.349G>A (NM_001001563.1); short protein forms G14R.
Identifiers: ClinVar variation 2170473 (VCV002170473.2), dbSNP rs755185015, ClinGen allele CA9431640.

ClinVar aggregate classification (germline): Uncertain significance. Review status: criteria provided, multiple submitters, no conflicts (2 of 4 stars). 2 submissions from 2 submitters: Uncertain significance (2). Last evaluated 2025-08-01.

Conditions:
Inborn genetic diseases. Identifiers: MedGen C0950123, MeSH D030342.

Allele frequency attached by ClinVar (database versions not stated): ExAC 0.00003; gnomAD 0.00007; TOPMed 0.00015.
gnomAD v4.1: 22 of 1,598,814 alleles (0.0014%); highest among the groups gnomAD compares: African/African-American, 0.021%; no homozygotes.

Submissions (2):

Ambry Genetics
Classification: Uncertain significance for Inborn genetic diseases. Last evaluated: 2025-08-01. Review status: criteria provided, single submitter. Criteria: Ambry Variant Classification Scheme 2023. Collection method: clinical testing. Allele origin: germline.

Labcorp Genetics (formerly Invitae), Labcorp
Classification: Uncertain significance. Last evaluated: 2022-06-15. Review status: criteria provided, single submitter. Criteria: Invitae Variant Classification Sherloc (09022015). Collection method: clinical testing. Allele origin: germline.
Comment: This sequence change replaces glycine, which is neutral and non-polar, with arginine, which is basic and polar, at codon 117 of the TIMM50 protein (p.Gly117Arg). This variant is present in population databases (rs755185015, gnomAD 0.02%). This variant has not been reported in the literature in individuals affected with TIMM50-related conditions. Algorithms developed to predict the effect of missense changes on protein structure and function are either unavailable or do not agree on the potential impact of this missense change (SIFT: "Not Available"; PolyPhen-2: "Possibly Damaging"; Align-GVGD: "Not Available"). In summary, the available evidence is currently insufficient to determine the role of this variant in disease. Therefore, it has been classified as a Variant of Uncertain Significance.